The following is an entry in ClinVar:

NM_018897.3(DNAH7):c.2198C>A (p.Ala733Glu)

Gene: DNAH7 (dynein axonemal heavy chain 7; minus strand). Cytogenetic location: 2q32.3.
Variant type: single nucleotide variant.
Coding change: c.2198C>A on transcript NM_018897.3 (MANE Select); coding-DNA position 2198, C replaced by A.
Protein change: p.Ala733Glu; replaces alanine 733 with glutamic acid.
Molecular consequence: missense variant.
Genome position (GRCh38, 1-based): chr2:195,969,955, G>T on the plus strand (C>A on the coding strand, the complement: DNAH7 is on the minus strand). VCF-style: chr2-195969955-G-T. GRCh37 (hg19) VCF-style: chr2-196834679-G-T.
Other names: short protein forms A733E.
Identifiers: ClinVar variation 3052824 (VCV003052824.3), dbSNP rs78418952, ClinGen allele CA2036412.

ClinVar aggregate classification (germline): Uncertain significance. Review status: criteria provided, single submitter (1 of 4 stars). 2 submissions from 2 submitters: Uncertain significance (1). 1 of the submissions does not count toward it. Last evaluated 2025-08-04.

Conditions:
DNAH7-related disorder. Also called: DNAH7-related condition.

Allele frequency attached by ClinVar (database versions not stated): ExAC 0.00085; 1000 Genomes Project 0.00100; 1000 Genomes Project 30x 0.00141; gnomAD 0.00231; ESP Exome Variant Server 0.00298.
gnomAD v4.1: 715 of 1,604,236 alleles (0.045%); highest among the groups gnomAD compares: African/African-American, 0.81%; 2 homozygotes.

Submissions (2):

Ambry Genetics
Classification: Uncertain significance. Last evaluated: 2025-08-04. Review status: criteria provided, single submitter. Criteria: Ambry Variant Classification Scheme 2023. Collection method: clinical testing. Allele origin: germline.

PreventionGenetics, part of Exact Sciences
Classification: Benign for DNAH7-related condition. Last evaluated: 2019-08-26. Review status: no assertion criteria provided. Collection method: clinical testing. Allele origin: germline. Not counted in ClinVar's aggregate classification.
Comment: This variant is classified as benign based on ACMG/AMP sequence variant interpretation guidelines (Richards et al. 2015 PMID: 25741868, with internal and published modifications).